The following is an entry in ClinVar:

ClinVar aggregate classification (germline): Pathogenic. Review status: criteria provided, multiple submitters, no conflicts (2 of 4 stars). 2 submissions from 2 submitters: Pathogenic (2). Last evaluated 2024-09-30.

Conditions:
Galactosylceramide beta-galactosidase deficiency. Also called: GALACTOCEREBROSIDASE DEFICIENCY; GALC DEFICIENCY; GLOBOID CELL LEUKOENCEPHALOPATHY; Krabbe Disease; Leukodystrophy, Globoid Cell. Identifiers: Orphanet 487, MedGen C0023521, MONDO:0009499, OMIM 245200.

gnomAD v4.1: 1 of 1,613,386 alleles (0.000062%); highest among the groups gnomAD compares: East Asian, 0.0022%; no homozygotes.

Submissions (2):

Natera, Inc.
Classification: Pathogenic for Galactosylceramide beta-galactosidase deficiency. Last evaluated: 2024-09-30. Review status: criteria provided, single submitter. Criteria: Natera Variant Classification Schema (03/2026). Collection method: clinical testing. Allele origin: germline.
Comment: The c.967G>A variant in GALC is a missense variant predicted to cause substitution of glycine to arginine at amino acid 323. This variant is rare in the general population with a frequency below the threshold expected for the associated phenotype(s). This variant has been observed in one or more individuals affected with the associated recessive disease, as either homozygous or compound heterozygous with a second variant (PMID: 20886637, 31240153). Functional studies show that this variant may disrupt protein function (PMID: 27638593). A different variant at the same position has been determined to be Pathogenic or Likely Pathogenic. Computational prediction algorithms indicate this variant is likely to affect gene or protein function. Given the available evidence, this variant is classified as Pathogenic.

Labcorp Genetics (formerly Invitae), Labcorp
Classification: Pathogenic for Galactosylceramide beta-galactosidase deficiency. Last evaluated: 2023-11-05. Review status: criteria provided, single submitter. Criteria: Invitae Variant Classification Sherloc (09022015). Collection method: clinical testing. Allele origin: germline.
Comment: This sequence change replaces glycine, which is neutral and non-polar, with arginine, which is basic and polar, at codon 323 of the GALC protein (p.Gly323Arg). This variant is present in population databases (no rsID available, gnomAD 0.006%). This missense change has been observed in individual(s) with Krabbe disease (PMID: 20886637). This variant is also known as G307R. ClinVar contains an entry for this variant (Variation ID: 1457628). Advanced modeling of protein sequence and biophysical properties (such as structural, functional, and spatial information, amino acid conservation, physicochemical variation, residue mobility, and thermodynamic stability) performed at Invitae indicates that this missense variant is expected to disrupt GALC protein function with a positive predictive value of 95%. Experimental studies have shown that this missense change affects GALC function (PMID: 27638593). This variant disrupts the p.Gly323 amino acid residue in GALC. Other variant(s) that disrupt this residue have been determined to be pathogenic (PMID: 30777126). This suggests that this residue is clinically significant, and that variants that disrupt this residue are likely to be disease-causing. For these reasons, this variant has been classified as Pathogenic.

Literature cited by the submitters: PubMed 20886637 (cited by Natera, Inc. and Labcorp Genetics (formerly Invitae), Labcorp); PubMed 31240153 (cited by Natera, Inc.); PubMed 27638593 (cited by Natera, Inc. and Labcorp Genetics (formerly Invitae), Labcorp); PubMed 30777126 (cited by Labcorp Genetics (formerly Invitae), Labcorp).

NM_000153.4(GALC):c.967G>A (p.Gly323Arg)

Gene: GALC (galactosylceramidase; minus strand). Cytogenetic location: 14q31.3.
Variant type: single nucleotide variant.
Coding change: c.967G>A on transcript NM_000153.4 (MANE Select); coding-DNA position 967, G replaced by A.
Protein change: p.Gly323Arg; replaces glycine 323 with arginine.
Molecular consequence: missense variant.
Genome position (GRCh38, 1-based): chr14:87,965,571, C>T on the plus strand (G>A on the coding strand, the complement: GALC is on the minus strand). VCF-style: chr14-87965571-C-T. GRCh37 (hg19) VCF-style: chr14-88431915-C-T.
Other names: c.967G>A (NM_000153.3); c.898G>A, p.Gly300Arg (NM_001201401.2); c.889G>A, p.Gly297Arg (NM_001201402.2); short protein forms G297R, G300R, G323R.
Identifiers: ClinVar variation 1457628 (VCV001457628.7), dbSNP rs1472207768, ClinGen allele CA390747543.